The following is an entry in ClinVar:

ClinVar aggregate classification (germline): Uncertain significance (1 of 4 stars; one submission).

Allele frequency attached by ClinVar (database versions not stated): TOPMed below 0.00001.

Submission:

GeneDx
Classification: Uncertain significance. Last evaluated: 2024-07-11. Review status: criteria provided, single submitter. Criteria: GeneDx Variant Classification Process June 2021. Collection method: clinical testing. Allele origin: germline.
Comment: Not observed at significant frequency in large population cohorts (gnomAD); In silico analysis indicates that this missense variant does not alter protein structure/function; Has not been previously published as pathogenic or benign to our knowledge

NM_000875.5(IGF1R):c.2131G>A (p.Ala711Thr)

Gene: IGF1R (insulin like growth factor 1 receptor; plus strand). Cytogenetic location: 15q26.3.
Variant type: single nucleotide variant.
Coding change: c.2131G>A on transcript NM_000875.5 (MANE Select); coding-DNA position 2131, G replaced by A.
Protein change: p.Ala711Thr; replaces alanine 711 with threonine.
Molecular consequence: missense variant.
Genome position (GRCh38, 1-based): chr15:98,916,806, G>A. VCF-style: chr15-98916806-G-A. GRCh37 (hg19) VCF-style: chr15-99460035-G-A.
Other names: c.2131G>A, p.Ala711Thr (NM_001291858.2); short protein forms A711T.
Identifiers: ClinVar variation 2663499 (VCV002663499.2), dbSNP rs2015272676, ClinGen allele CA393680291.